The following is an entry in ClinVar:

ClinVar aggregate classification (germline): Uncertain significance (1 of 4 stars; one submission).

Conditions:
Brugada syndrome 4 (BRGDA4). Identifiers: Orphanet 130, MedGen C2678477, MONDO:0012743, OMIM 611876.

Allele frequency attached by ClinVar (database versions not stated): gnomAD exomes below 0.00001.

Submission:

Labcorp Genetics (formerly Invitae), Labcorp
Classification: Uncertain significance for Brugada syndrome 4. Last evaluated: 2018-06-04. Review status: criteria provided, single submitter. Criteria: Invitae Variant Classification Sherloc (09022015). Collection method: clinical testing. Allele origin: germline.
Comment: Algorithms developed to predict the effect of missense changes on protein structure and function (SIFT, PolyPhen-2, Align-GVGD) all suggest that this variant is likely to be disruptive, but these predictions have not been confirmed by published functional studies and their clinical significance is uncertain. In summary, the available evidence is currently insufficient to determine the role of this variant in disease. Therefore, it has been classified as a Variant of Uncertain Significance. This variant has not been reported in the literature in individuals with CACNB2-related disease. This variant is not present in population databases (ExAC no frequency). This sequence change replaces glutamine with arginine at codon 48 of the CACNB2 protein (p.Gln48Arg). The glutamine residue is highly conserved and there is a small physicochemical difference between glutamine and arginine.

NM_201596.3(CACNB2):c.305A>G (p.Gln102Arg)

Gene: CACNB2 (calcium voltage-gated channel auxiliary subunit beta 2; plus strand). Cytogenetic location: 10p12.31.
Variant type: single nucleotide variant.
Coding change: c.305A>G on transcript NM_201596.3 (MANE Select); coding-DNA position 305, A replaced by G.
Protein change: p.Gln102Arg; replaces glutamine 102 with arginine.
Molecular consequence: missense variant.
Genome position (GRCh38, 1-based): chr10:18,402,015, A>G. VCF-style: chr10-18402015-A-G. GRCh37 (hg19) VCF-style: chr10-18690944-A-G.
Other names: c.140A>G, p.Gln47Arg (NM_000724.4, NM_001330060.2); c.221A>G, p.Gln74Arg (NM_001167945.2, NM_201571.4, NM_201572.4); c.161A>G, p.Gln54Arg (NM_201570.3); c.143A>G, p.Gln48Arg (NM_201590.3); c.305A>G, p.Gln102Arg (NM_201593.3, NM_201597.3); short protein forms Q102R, Q47R, Q48R, Q54R, Q74R.
Identifiers: ClinVar variation 1041621 (VCV001041621.8), dbSNP rs1368397195, ClinGen allele CA376219596.